The following is an entry in ClinVar:

NM_001031836.3(KCNU1):c.2032C>A (p.Gln678Lys)

Gene: KCNU1 (potassium calcium-activated channel subfamily U member 1; plus strand). Cytogenetic location: 8p11.23.
Variant type: single nucleotide variant.
Coding change: c.2032C>A on transcript NM_001031836.3 (MANE Select); coding-DNA position 2032, C replaced by A.
Protein change: p.Gln678Lys; replaces glutamine 678 with lysine.
Molecular consequence: missense variant. On other transcripts: non-coding transcript variant (1).
Genome position (GRCh38, 1-based): chr8:36,905,730, C>A. VCF-style: chr8-36905730-C-A. GRCh37 (hg19) VCF-style: chr8-36763248-C-A.
Other names: short protein forms Q678K.
Identifiers: ClinVar variation 4985988 (VCV004985988.1).

ClinVar aggregate classification (germline): Likely benign (1 of 4 stars; one submission).

Conditions:
KCNU1-related condition.

gnomAD v4.1: 184 of 1,602,030 alleles (0.011%); highest among the groups gnomAD compares: African/African-American, 0.23%; no homozygotes.

Submission:

PreventionGenetics, part of Exact Sciences
Classification: Likely benign for KCNU1-related condition. Last evaluated: 2026-01-06. Review status: criteria provided, single submitter. Criteria: ACMG Guidelines, 2015. Collection method: clinical testing. Allele origin: germline.
Comment: This variant is classified as likely benign based on ACMG/AMP sequence variant interpretation guidelines (Richards et al. 2015 PMID: 25741868, with internal and published modifications).